The following is an entry in ClinVar:

NM_004168.4(SDHA):c.1090G>A (p.Val364Ile)

Gene: SDHA (succinate dehydrogenase complex flavoprotein subunit A; plus strand). Cytogenetic location: 5p15.33.
Variant type: single nucleotide variant.
Coding change: c.1090G>A on transcript NM_004168.4 (MANE Select); coding-DNA position 1090, G replaced by A.
Protein change: p.Val364Ile; replaces valine 364 with isoleucine.
Molecular consequence: missense variant.
Genome position (GRCh38, 1-based): chr5:235,169, G>A. VCF-style: chr5-235169-G-A. GRCh37 (hg19) VCF-style: chr5-235284-G-A.
Other names: c.946G>A, p.Val316Ile (NM_001294332.2); c.1090G>A, p.Val364Ile (NM_001330758.2); short protein forms V364I, V316I.
Identifiers: ClinVar variation 412322 (VCV000412322.18), dbSNP rs372738835, ClinGen allele CA3173111.

ClinVar aggregate classification (germline): Uncertain significance. Review status: criteria provided, multiple submitters, no conflicts (2 of 4 stars). 4 submissions from 4 submitters: Uncertain significance (4). Last evaluated 2025-12-01.

Conditions:
Mitochondrial complex II deficiency, nuclear type 1. Also called: SUCCINATE CoQ REDUCTASE DEFICIENCY. Identifiers: Orphanet 3208, MedGen C5700310, MONDO:0100294, OMIM 252011.
Pheochromocytoma/paraganglioma syndrome 5. Also called: SDHA-Related Hereditary Paraganglioma-Pheochromocytoma Syndrome; Paragangliomas 5. Identifiers: Orphanet 29072, MedGen C3279992, MONDO:0013602, OMIM 614165.
Hereditary cancer-predisposing syndrome. Also called: Neoplastic Syndromes, Hereditary; Hereditary Cancer Syndrome; Tumor predisposition; Hereditary neoplastic syndrome. Identifiers: Orphanet 140162, MedGen C0027672, MeSH D009386, MONDO:0015356.
Dilated cardiomyopathy 1GG (CMD1GG). Identifiers: Orphanet 154, MedGen C3150898, MONDO:0013339, OMIM 613642.

Allele frequency attached by ClinVar (database versions not stated): gnomAD 0.00001; gnomAD exomes 0.00001 and 0.00003; ExAC 0.00002; ESP Exome Variant Server 0.00008.
gnomAD v4.1: 23 of 1,613,874 alleles (0.0014%); highest among the groups gnomAD compares: Admixed American, 0.005%; no homozygotes.

Submissions (4):

Labcorp Genetics (formerly Invitae), Labcorp
Classification: Uncertain significance for Pheochromocytoma/paraganglioma syndrome 5; Mitochondrial complex II deficiency, nuclear type 1. Last evaluated: 2025-12-01. Review status: criteria provided, single submitter. Criteria: Invitae Variant Classification Sherloc (09022015). Collection method: clinical testing. Allele origin: germline.
Comment: This sequence change replaces valine, which is neutral and non-polar, with isoleucine, which is neutral and non-polar, at codon 364 of the SDHA protein (p.Val364Ile). This variant is present in population databases (rs372738835, gnomAD 0.009%). This variant has not been reported in the literature in individuals affected with SDHA-related conditions. ClinVar contains an entry for this variant (Variation ID: 412322). Invitae Evidence Modeling of protein sequence and biophysical properties (such as structural, functional, and spatial information, amino acid conservation, physicochemical variation, residue mobility, and thermodynamic stability) indicates that this missense variant is not expected to disrupt SDHA protein function with a negative predictive value of 95%. In summary, the available evidence is currently insufficient to determine the role of this variant in disease. Therefore, it has been classified as a Variant of Uncertain Significance.

Quest Diagnostics Nichols Institute San Juan Capistrano
Classification: Uncertain significance. Last evaluated: 2025-10-14. Review status: criteria provided, single submitter. Criteria: Quest Diagnostics criteria. Collection method: clinical testing. Allele origin: unknown.
Comment: The SDHA c.1090G>A (p.Val364Ile) variant has not been reported in individuals with SDHA-related conditions in the published literature. The frequency of this variant in the general population (Genome Aggregation Database) is uninformative in the assessment of its pathogenicity. Analysis of this variant using bioinformatics tools for the prediction of the effect of amino acid changes on protein structure and function yielded predictions that this variant is benign. Based on the available information, we are unable to determine the clinical significance of this variant.

Ambry Genetics
Classification: Uncertain significance for Hereditary cancer-predisposing syndrome. Last evaluated: 2025-07-11. Review status: criteria provided, single submitter. Criteria: Ambry Variant Classification Scheme 2023. Collection method: clinical testing. Allele origin: germline.
Comment: The p.V364I variant (also known as c.1090G>A), located in coding exon 9 of the SDHA gene, results from a G to A substitution at nucleotide position 1090. The valine at codon 364 is replaced by isoleucine, an amino acid with highly similar properties. This amino acid position is highly conserved in available vertebrate species. In addition, the in silico prediction for this alteration is inconclusive. Since supporting evidence is limited at this time, the clinical significance of this alteration remains unclear.

Baylor Genetics
Classification: Uncertain significance for Dilated cardiomyopathy 1GG. Last evaluated: 2024-03-13. Review status: criteria provided, single submitter. Criteria: ACMG Guidelines, 2015. Collection method: clinical testing. Allele origin: unknown.